The following is an entry in ClinVar:

NM_001191061.2(SLC25A22):c.704C>T (p.Ala235Val)

Gene: SLC25A22 (solute carrier family 25 member 22; minus strand). Cytogenetic location: 11p15.5.
Variant type: single nucleotide variant.
Coding change: c.704C>T on transcript NM_001191061.2 (MANE Select); coding-DNA position 704, C replaced by T.
Protein change: p.Ala235Val; replaces alanine 235 with valine.
Molecular consequence: missense variant.
Genome position (GRCh38, 1-based): chr11:792,342, G>A on the plus strand (C>T on the coding strand, the complement: SLC25A22 is on the minus strand). VCF-style: chr11-792342-G-A. GRCh37 (hg19) VCF-style: chr11-792342-G-A.
Other names: p.A235V:GCT>GTT; c.704C>T, p.Ala235Val (NM_001191060.2, NM_024698.6); short protein forms A235V.
Identifiers: ClinVar variation 207171 (VCV000207171.2), dbSNP rs796053240, ClinGen allele CA318391.

ClinVar aggregate classification (germline): Uncertain significance (1 of 4 stars; one submission).

Submission:

GeneDx
Classification: Uncertain significance. Last evaluated: 2014-12-03. Review status: criteria provided, single submitter. Criteria: GeneDx Variant Classification (06012015). Collection method: clinical testing. Allele origin: germline. Affected: yes.
Comment: p.Ala235Val (GCT>GTT): c.704 C>T in exon 8 of the SLC25A22 gene (NM_024698.5). The A235V variant has not been published as a mutation, nor has it been reported as a benign polymorphism to our knowledge. It was not observed in approximately 6,500 individuals of European and African American ancestry in the NHLBI Exome Sequencing Project, indicating it is not a common benign variant in these populations. This substitution occurs at a position that is conserved across species, and in silico analysis predicts the A235V variant is probably damaging to the protein structure/function. Additionally, a missense mutations in a nearby residue (G236W) has been reported in association with neonatal epileptic encephalopathy. However, the A235V variant is a conservative amino acid substitution, which is not likely to impact secondary protein structure as these residues share similar properties. Therefore, based on the currently available information, it is unclear whether this variant is a pathogenic mutation or a rare benign variant. The variant is found in INFANT-EPI panel(s).